The following is an entry in ClinVar:

NM_020975.6(RET):c.2040C>T (p.Ala680=)

Gene: RET (ret proto-oncogene; plus strand). Cytogenetic location: 10q11.21.
Variant type: single nucleotide variant.
Coding change: c.2040C>T on transcript NM_020975.6 (MANE Select); coding-DNA position 2040, C replaced by T.
Protein change: p.Ala680=; no amino-acid change (alanine 680 retained).
Molecular consequence: synonymous variant.
Genome position (GRCh38, 1-based): chr10:43,114,640, C>T. VCF-style: chr10-43114640-C-T. GRCh37 (hg19) VCF-style: chr10-43610088-C-T.
Other names: c.2040C>T, p.Ala680= (NM_000323.2, NM_001406743.1, NM_001406744.1 and 4 more transcripts); c.1278C>T, p.Ala426= (NM_001355216.2); c.1911C>T, p.Ala637= (NM_001406761.1, NM_001406762.1, NM_001406764.1); c.1905C>T, p.Ala635= (NM_001406763.1, NM_001406765.1); c.1752C>T, p.Ala584= (NM_001406766.1, NM_001406767.1, NM_001406770.1); c.1776C>T, p.Ala592= (NM_001406768.1); c.1644C>T, p.Ala548= (NM_001406769.1, NM_001406772.1); c.1602C>T, p.Ala534= (NM_001406771.1, NM_001406773.1); and 10 more.
Identifiers: ClinVar variation 2982610 (VCV002982610.4), dbSNP rs1336334127, ClinGen allele CA469479902.

ClinVar aggregate classification (germline): Benign/Likely benign. Review status: criteria provided, multiple submitters, no conflicts (2 of 4 stars). 2 submissions from 2 submitters: Benign (1); Likely benign (1). Last evaluated 2025-02-26.

Conditions:
Multiple endocrine neoplasia, type 2 (MEN2). Identifiers: Orphanet 653, MedGen C4048306, MONDO:0019003. Disease mechanism: gain of function.
Multiple endocrine neoplasia type 2A. Also called: MULTIPLE ENDOCRINE NEOPLASIA, TYPE IIA; PTC SYNDROME; SIPPLE SYNDROME; MEN 2A; MEN-2A syndrome; Pheochromocytoma and amyloid producing medullary thyroid carcinoma. Identifiers: Orphanet 247698, Orphanet 653, MedGen C0025268, MeSH D018813, MONDO:0008234, OMIM 171400.

gnomAD v4.1: 2 of 1,613,062 alleles (0.00012%); highest among the groups gnomAD compares: South Asian, 0.0011%; no homozygotes.

Submissions (2):

Myriad Genetics, Inc.
Classification: Benign for Multiple endocrine neoplasia type 2A. Last evaluated: 2025-02-26. Review status: criteria provided, single submitter. Criteria: Myriad Autosomal Dominant, Autosomal Recessive and X-Linked Classification Criteria (2023). Collection method: clinical testing. Allele origin: unknown.
Comment: This variant is considered benign. This variant is a silent/synonymous amino acid change and it is not expected to impact splicing.

Labcorp Genetics (formerly Invitae), Labcorp
Classification: Likely benign for Multiple endocrine neoplasia, type 2. Last evaluated: 2024-12-22. Review status: criteria provided, single submitter. Criteria: Invitae Variant Classification Sherloc (09022015). Collection method: clinical testing. Allele origin: germline.